The following is an entry in ClinVar:

ClinVar aggregate classification (germline): Uncertain significance (1 of 4 stars; one submission).

Conditions:
Familial hemophagocytic lymphohistiocytosis 3 (FHL3). Also called: UNC13D-Related Familial Hemophagocytic Lymphohistiocytosis (UNC13D-fHLH). Identifiers: Orphanet 540, MedGen C1837174, MONDO:0012146, OMIM 608898.

Allele frequency attached by ClinVar (database versions not stated): gnomAD exomes below 0.00001.

Submission:

Labcorp Genetics (formerly Invitae), Labcorp
Classification: Uncertain significance for Familial hemophagocytic lymphohistiocytosis 3. Last evaluated: 2021-12-02. Review status: criteria provided, single submitter. Criteria: Invitae Variant Classification Sherloc (09022015). Collection method: clinical testing. Allele origin: germline.
Comment: This sequence change replaces leucine, which is neutral and non-polar, with methionine, which is neutral and non-polar, at codon 794 of the UNC13D protein (p.Leu794Met). The frequency data for this variant in the population databases is considered unreliable, as metrics indicate poor data quality at this position in the gnomAD database. This variant has not been reported in the literature in individuals affected with UNC13D-related conditions. Algorithms developed to predict the effect of missense changes on protein structure and function are either unavailable or do not agree on the potential impact of this missense change (SIFT: "Not Available"; PolyPhen-2: "Probably Damaging"; Align-GVGD: "Not Available"). In summary, the available evidence is currently insufficient to determine the role of this variant in disease. Therefore, it has been classified as a Variant of Uncertain Significance.

NM_199242.3(UNC13D):c.2380C>A (p.Leu794Met)

Gene: UNC13D (unc-13 homolog D; minus strand). Cytogenetic location: 17q25.1.
Variant type: single nucleotide variant.
Coding change: c.2380C>A on transcript NM_199242.3 (MANE Select); coding-DNA position 2380, C replaced by A.
Protein change: p.Leu794Met; replaces leucine 794 with methionine.
Molecular consequence: missense variant.
Genome position (GRCh38, 1-based): chr17:75,833,033, G>T on the plus strand (C>A on the coding strand, the complement: UNC13D is on the minus strand). VCF-style: chr17-75833033-G-T. GRCh37 (hg19) VCF-style: chr17-73829114-G-T.
Other names: short protein forms L794M.
Identifiers: ClinVar variation 1358316 (VCV001358316.8), dbSNP rs1166719662, ClinGen allele CA401085133.